The following is an entry in ClinVar:

NM_017654.4(SAMD9):c.608C>A (p.Thr203Lys)

Gene: SAMD9 (sterile alpha motif domain containing 9; minus strand). Cytogenetic location: 7q21.2.
Variant type: single nucleotide variant.
Coding change: c.608C>A on transcript NM_017654.4 (MANE Select); coding-DNA position 608, C replaced by A.
Protein change: p.Thr203Lys; replaces threonine 203 with lysine.
Molecular consequence: missense variant.
Genome position (GRCh38, 1-based): chr7:93,105,490, G>T on the plus strand (C>A on the coding strand, the complement: SAMD9 is on the minus strand). VCF-style: chr7-93105490-G-T. GRCh37 (hg19) VCF-style: chr7-92734803-G-T.
Other names: c.608C>A, p.Thr203Lys (NM_001193307.2); short protein forms T203K.
Identifiers: ClinVar variation 3792013 (VCV003792013.1).

ClinVar aggregate classification (germline): Uncertain significance (1 of 4 stars; one submission).

Conditions:
Inborn genetic diseases. Identifiers: MedGen C0950123, MeSH D030342.

Submission:

Ambry Genetics
Classification: Uncertain significance for Inborn genetic diseases. Last evaluated: 2025-01-20. Review status: criteria provided, single submitter. Criteria: Ambry Variant Classification Scheme 2023. Collection method: clinical testing. Allele origin: germline.
Comment: The p.T203K variant (also known as c.608C>A), located in coding exon 1 of the SAMD9 gene, results from a C to A substitution at nucleotide position 608. The threonine at codon 203 is replaced by lysine, an amino acid with similar properties. This amino acid position is conserved. In addition, this alteration is predicted to be tolerated by in silico analysis. Based on the available evidence, the clinical significance of this variant remains unclear.